The following is an entry in ClinVar:

ClinVar aggregate classification (germline): Benign/Likely benign. Review status: criteria provided, multiple submitters, no conflicts (2 of 4 stars). 3 submissions from 3 submitters: Benign (2); Likely benign (1). Last evaluated 2026-02-03.

Allele frequency attached by ClinVar (database versions not stated): ESP Exome Variant Server 0.18069; TOPMed 0.18332; gnomAD 0.18822 and 0.19365; 1000 Genomes Project 30x 0.19597; 1000 Genomes Project 0.20068; gnomAD exomes 0.22968 and 0.23714; ExAC 0.23562.

Submissions (3):

Labcorp Genetics (formerly Invitae), Labcorp
Classification: Benign. Last evaluated: 2026-02-03. Review status: criteria provided, single submitter. Criteria: Invitae Variant Classification Sherloc (09022015). Collection method: clinical testing. Allele origin: germline.

Blueprint Genetics
Classification: Likely benign. Last evaluated: 2024-11-26. Review status: criteria provided, single submitter. Criteria: ACMG Guidelines, 2015. Collection method: clinical testing. Allele origin: germline.

GeneDx
Classification: Benign. Last evaluated: 2013-09-17. Review status: criteria provided, single submitter. Criteria: GeneDx Variant Classification (06012015). Collection method: clinical testing. Allele origin: germline. Affected: yes.
Comment: This variant is considered likely benign or benign based on one or more of the following criteria: it is a conservative change, it occurs at a poorly conserved position in the protein, it is predicted to be benign by multiple in silico algorithms, and/or has population frequency not consistent with disease.

NM_012208.4(HARS2):c.399+18G>A

Gene: HARS2 (histidyl-tRNA synthetase 2, mitochondrial; plus strand). Cytogenetic location: 5q31.3.
Variant type: single nucleotide variant.
Coding change: c.399+18G>A on transcript NM_012208.4 (MANE Select); 18 bases into the intron after coding-DNA position 399, G replaced by A.
Molecular consequence: intron variant.
Genome position (GRCh38, 1-based): chr5:140,694,298, G>A. VCF-style: chr5-140694298-G-A. GRCh37 (hg19) VCF-style: chr5-140073883-G-A.
Other names: c.93+244G>A (NM_001278732.2); c.417+18G>A (NM_001363535.2); c.324+18G>A (NM_001278731.2); c.189+18G>A (NM_001363536.2).
Identifiers: ClinVar variation 137535 (VCV000137535.11), dbSNP rs6883035, ClinGen allele CA291163.